The following is an entry in ClinVar:

NM_001134363.3(RBM20):c.3347T>C (p.Leu1116Pro)

Gene: RBM20 (RNA binding motif protein 20; plus strand). Cytogenetic location: 10q25.2.
Variant type: single nucleotide variant.
Coding change: c.3347T>C on transcript NM_001134363.3 (MANE Select); coding-DNA position 3347, T replaced by C.
Protein change: p.Leu1116Pro; replaces leucine 1116 with proline.
Molecular consequence: missense variant.
Genome position (GRCh38, 1-based): chr10:110,823,510, T>C. VCF-style: chr10-110823510-T-C. GRCh37 (hg19) VCF-style: chr10-112583268-T-C.
Other names: short protein forms L1116P.
Identifiers: ClinVar variation 2095751 (VCV002095751.2), dbSNP rs2493499512, ClinGen allele CA378383537.

ClinVar aggregate classification (germline): Uncertain significance (1 of 4 stars; one submission).

Conditions:
Dilated cardiomyopathy 1DD (CMD1DD). Identifiers: Orphanet 154, MedGen C2750995, MONDO:0013168, OMIM 613172.

Submission:

Labcorp Genetics (formerly Invitae), Labcorp
Classification: Uncertain significance for Dilated cardiomyopathy 1DD. Last evaluated: 2022-02-09. Review status: criteria provided, single submitter. Criteria: Invitae Variant Classification Sherloc (09022015). Collection method: clinical testing. Allele origin: germline.
Comment: This sequence change replaces leucine, which is neutral and non-polar, with proline, which is neutral and non-polar, at codon 1116 of the RBM20 protein (p.Leu1116Pro). This variant is not present in population databases (gnomAD no frequency). This variant has not been reported in the literature in individuals affected with RBM20-related conditions. Advanced modeling of protein sequence and biophysical properties (such as structural, functional, and spatial information, amino acid conservation, physicochemical variation, residue mobility, and thermodynamic stability) performed at Invitae indicates that this missense variant is not expected to disrupt RBM20 protein function. In summary, the available evidence is currently insufficient to determine the role of this variant in disease. Therefore, it has been classified as a Variant of Uncertain Significance.